The following is an entry in ClinVar:

NM_000038.6(APC):c.4978C>G (p.Leu1660Val)

Gene: APC (APC regulator of Wnt signaling pathway; plus strand). Cytogenetic location: 5q22.2.
Variant type: single nucleotide variant.
Coding change: c.4978C>G on transcript NM_000038.6 (MANE Select); coding-DNA position 4978, C replaced by G.
Protein change: p.Leu1660Val; replaces leucine 1660 with valine.
Molecular consequence: missense variant.
Genome position (GRCh38, 1-based): chr5:112,840,572, C>G. VCF-style: chr5-112840572-C-G. GRCh37 (hg19) VCF-style: chr5-112176269-C-G.
Other names: c.4978C>G, p.Leu1660Val (NM_001127510.3, NM_001354895.2); c.4924C>G, p.Leu1642Val (NM_001127511.3); c.5032C>G, p.Leu1678Val (NM_001354896.2); c.5008C>G, p.Leu1670Val (NM_001354897.2); c.4903C>G, p.Leu1635Val (NM_001354898.2); c.4894C>G, p.Leu1632Val (NM_001354899.2); c.4855C>G, p.Leu1619Val (NM_001354900.2); c.4801C>G, p.Leu1601Val (NM_001354901.2); and 5 more; short protein forms L1377V, L1619V, L1670V, L1534V, L1632V, L1635V, L1678V, L1500V.
Identifiers: ClinVar variation 1383415 (VCV001383415.4), dbSNP rs767271480, ClinGen allele CA16032229.

ClinVar aggregate classification (germline): Uncertain significance (1 of 4 stars; one submission).

Conditions:
Familial adenomatous polyposis 1 (FAP1). Also called: POLYPOSIS, ADENOMATOUS INTESTINAL; FAMILIAL ADENOMATOUS POLYPOSIS 1, ATTENUATED. Identifiers: MedGen C2713442, MONDO:0021056, OMIM 175100. Disease mechanism: loss of function.

gnomAD v4.1: 2 of 1,614,112 alleles (0.00012%); highest among the groups gnomAD compares: Non-Finnish European, 0.00017%; no homozygotes.

Submission:

Labcorp Genetics (formerly Invitae), Labcorp
Classification: Uncertain significance for Familial adenomatous polyposis 1. Last evaluated: 2024-10-20. Review status: criteria provided, single submitter. Criteria: Invitae Variant Classification Sherloc (09022015). Collection method: clinical testing. Allele origin: germline.
Comment: This sequence change replaces leucine, which is neutral and non-polar, with valine, which is neutral and non-polar, at codon 1660 of the APC protein (p.Leu1660Val). This variant is not present in population databases (gnomAD no frequency). This variant has not been reported in the literature in individuals affected with APC-related conditions. ClinVar contains an entry for this variant (Variation ID: 1383415). Invitae Evidence Modeling of protein sequence and biophysical properties (such as structural, functional, and spatial information, amino acid conservation, physicochemical variation, residue mobility, and thermodynamic stability) indicates that this missense variant is not expected to disrupt APC protein function with a negative predictive value of 95%. In summary, the available evidence is currently insufficient to determine the role of this variant in disease. Therefore, it has been classified as a Variant of Uncertain Significance.